The following is an entry in ClinVar:

NM_020964.3(EPG5):c.2219C>T (p.Ser740Phe)

Gene: EPG5 (ectopic P-granules 5 autophagy tethering factor; minus strand). Cytogenetic location: 18q21.1.
Variant type: single nucleotide variant.
Coding change: c.2219C>T on transcript NM_020964.3 (MANE Select); coding-DNA position 2219, C replaced by T.
Protein change: p.Ser740Phe; replaces serine 740 with phenylalanine.
Molecular consequence: missense variant.
Genome position (GRCh38, 1-based): chr18:45,934,847, G>A on the plus strand (C>T on the coding strand, the complement: EPG5 is on the minus strand). VCF-style: chr18-45934847-G-A. GRCh37 (hg19) VCF-style: chr18-43514813-G-A.
Other names: c.2219C>T, p.Ser740Phe (NM_001410858.1, NM_001410859.1); short protein forms S740F.
Identifiers: ClinVar variation 2060630 (VCV002060630.4), dbSNP rs2511953308, ClinGen allele CA402347585.

ClinVar aggregate classification (germline): Uncertain significance (1 of 4 stars; one submission).

Conditions:
Vici syndrome (VICIS). Identifiers: Orphanet 1493, MedGen C1855772, MONDO:0009452, OMIM 242840.

Submission:

Labcorp Genetics (formerly Invitae), Labcorp
Classification: Uncertain significance for Vici syndrome. Last evaluated: 2021-12-25. Review status: criteria provided, single submitter. Criteria: Invitae Variant Classification Sherloc (09022015). Collection method: clinical testing. Allele origin: germline.
Comment: In summary, the available evidence is currently insufficient to determine the role of this variant in disease. Therefore, it has been classified as a Variant of Uncertain Significance. Algorithms developed to predict the effect of missense changes on protein structure and function are either unavailable or do not agree on the potential impact of this missense change (SIFT: "Deleterious"; PolyPhen-2: "Benign"; Align-GVGD: "Class C0"). This variant has not been reported in the literature in individuals affected with EPG5-related conditions. This variant is not present in population databases (gnomAD no frequency). This sequence change replaces serine, which is neutral and polar, with phenylalanine, which is neutral and non-polar, at codon 740 of the EPG5 protein (p.Ser740Phe).